The following is an entry in ClinVar:

ClinVar aggregate classification (germline): Uncertain significance (1 of 4 stars; one submission).

Conditions:
Short-rib thoracic dysplasia 6 with or without polydactyly (SRTD6). Also called: SHORT RIB-POLYDACTYLY SYNDROME, TYPE IIA; SHORT-RIB THORACIC DYSPLASIA 6 WITHOUT POLYDACTYLY; POLYDACTYLY WITH NEONATAL CHONDRODYSTROPHY, TYPE II; Majewski Syndrome; SHORT-RIB THORACIC DYSPLASIA 6 WITH POLYDACTYLY. Identifiers: MedGen C0024507, MONDO:0009894, OMIM 263520.

gnomAD v4.1: 1 of 1,609,626 alleles (0.000062%); highest among the groups gnomAD compares: Non-Finnish European, 0.000085%; no homozygotes.

Submission:

Labcorp Genetics (formerly Invitae), Labcorp
Classification: Uncertain significance for Short-rib thoracic dysplasia 6 with or without polydactyly. Last evaluated: 2026-01-29. Review status: criteria provided, single submitter. Criteria: Invitae Variant Classification Sherloc (09022015). Collection method: clinical testing. Allele origin: germline.
Comment: This sequence change replaces leucine, which is neutral and non-polar, with proline, which is neutral and non-polar, at codon 76 of the NEK1 protein (p.Leu76Pro). This variant is not present in population databases (gnomAD no frequency). This variant has not been reported in the literature in individuals affected with NEK1-related conditions. Invitae Evidence Modeling of protein sequence and biophysical properties (such as structural, functional, and spatial information, amino acid conservation, physicochemical variation, residue mobility, and thermodynamic stability) indicates that this missense variant is expected to disrupt NEK1 protein function with a positive predictive value of 95%. In summary, the available evidence is currently insufficient to determine the role of this variant in disease. Therefore, it has been classified as a Variant of Uncertain Significance.

NM_001199397.3(NEK1):c.227T>C (p.Leu76Pro)

Gene: NEK1 (NIMA related kinase 1; minus strand). Cytogenetic location: 4q33.
Variant type: single nucleotide variant.
Coding change: c.227T>C on transcript NM_001199397.3 (MANE Select); coding-DNA position 227, T replaced by C.
Protein change: p.Leu76Pro; replaces leucine 76 with proline.
Molecular consequence: missense variant. On other transcripts: intron variant (2).
Genome position (GRCh38, 1-based): chr4:169,599,185, A>G on the plus strand (T>C on the coding strand, the complement: NEK1 is on the minus strand). VCF-style: chr4-169599185-A-G. GRCh37 (hg19) VCF-style: chr4-170520336-A-G.
Other names: c.227T>C, p.Leu76Pro (NM_001199398.3, NM_001199399.3, NM_001199400.3 and 11 more transcripts); c.-310+2823T>C (NM_001440625.1, NM_001440624.1); short protein forms L76P.
Identifiers: ClinVar variation 4810487 (VCV004810487.1).